The following is an entry in ClinVar:

NM_021098.3(CACNA1H):c.2705G>A (p.Arg902Gln)

Gene: CACNA1H (calcium voltage-gated channel subunit alpha1 H; plus strand). Cytogenetic location: 16p13.3.
Variant type: single nucleotide variant.
Coding change: c.2705G>A on transcript NM_021098.3 (MANE Select); coding-DNA position 2705, G replaced by A.
Protein change: p.Arg902Gln; replaces arginine 902 with glutamine.
Molecular consequence: missense variant.
Genome position (GRCh38, 1-based): chr16:1,206,205, G>A. VCF-style: chr16-1206205-G-A. GRCh37 (hg19) VCF-style: chr16-1256205-G-A.
Other names: c.2705G>A, p.Arg902Gln (NM_001005407.2); short protein forms R902Q.
Identifiers: ClinVar variation 460070 (VCV000460070.11), dbSNP rs748252386, ClinGen allele CA7800403.

ClinVar aggregate classification (germline): Uncertain significance. Review status: criteria provided, multiple submitters, no conflicts (2 of 4 stars). 2 submissions from 2 submitters: Uncertain significance (2). Last evaluated 2025-10-17.

Conditions:
Hyperaldosteronism, familial, type IV (HALD4). Also called: FH IV; ALDOSTERONISM, PRIMARY, AND HYPERTENSION. Identifiers: Orphanet 642671, MedGen C4310756, MONDO:0014875, OMIM 617027.
Idiopathic generalized epilepsy. Also called: EIG; Generalised epilepsy. Identifiers: MedGen C0270850, MONDO:0005579, OMIM 600669.
Epilepsy, childhood absence, susceptibility to, 6. Identifiers: Orphanet 64280, MedGen C2749872, MONDO:0012763, OMIM 611942.

Allele frequency attached by ClinVar (database versions not stated): TOPMed 0.00002; gnomAD 0.00003; gnomAD exomes 0.00004 and 0.00007; ExAC 0.00009; 1000 Genomes Project 30x 0.00016.
gnomAD v4.1: 64 of 1,594,158 alleles (0.004%); highest among the groups gnomAD compares: East Asian, 0.034%; no homozygotes.

Submissions (2):

Labcorp Genetics (formerly Invitae), Labcorp
Classification: Uncertain significance for Idiopathic generalized epilepsy; Hyperaldosteronism, familial, type IV. Last evaluated: 2025-10-17. Review status: criteria provided, single submitter. Criteria: Invitae Variant Classification Sherloc (09022015). Collection method: clinical testing. Allele origin: germline.
Comment: This sequence change replaces arginine, which is basic and polar, with glutamine, which is neutral and polar, at codon 902 of the CACNA1H protein (p.Arg902Gln). This variant is present in population databases (rs748252386, gnomAD 0.07%), and has an allele count higher than expected for a pathogenic variant. This variant has not been reported in the literature in individuals affected with CACNA1H-related conditions. ClinVar contains an entry for this variant (Variation ID: 460070). Invitae Evidence Modeling of protein sequence and biophysical properties (such as structural, functional, and spatial information, amino acid conservation, physicochemical variation, residue mobility, and thermodynamic stability) indicates that this missense variant is not expected to disrupt CACNA1H protein function with a negative predictive value of 80%. In summary, the available evidence is currently insufficient to determine the role of this variant in disease. Therefore, it has been classified as a Variant of Uncertain Significance.

Fulgent Genetics
Classification: Uncertain significance for Epilepsy, childhood absence, susceptibility to, 6; Hyperaldosteronism, familial, type IV. Last evaluated: 2024-03-11. Review status: criteria provided, single submitter. Criteria: ACMG Guidelines, 2015. Collection method: clinical testing. Allele origin: germline.